The following is an entry in ClinVar:

ClinVar aggregate classification (germline): Uncertain significance. Review status: criteria provided, multiple submitters, no conflicts (2 of 4 stars). 3 submissions from 3 submitters: Uncertain significance (3). Last evaluated 2025-11-07.

Conditions:
PKHD1-related disorder. Also called: PKHD1-related condition.

Allele frequency attached by ClinVar (database versions not stated): TOPMed below 0.00001; ExAC 0.00001; gnomAD exomes 0.00001.
gnomAD v4.1: 5 of 1,613,358 alleles (0.00031%); highest among the groups gnomAD compares: Middle Eastern, 0.017%; no homozygotes.

Submissions (3):

PreventionGenetics, part of Exact Sciences
Classification: Uncertain significance for PKHD1-related condition. Last evaluated: 2025-11-07. Review status: criteria provided, single submitter. Criteria: ACMG Guidelines, 2015. Collection method: clinical testing. Allele origin: germline.
Comment: The PKHD1 c.11578A>G variant is predicted to result in the amino acid substitution p.Ile3860Val. To our knowledge, this variant has not been reported in the literature. This variant is reported in 0.0029% of alleles in individuals of Latino descent in gnomAD. At this time, the clinical significance of this variant is uncertain due to the absence of conclusive functional and genetic evidence.

Department of Pathology and Laboratory Medicine, Sinai Health System
Classification: Uncertain significance. Last evaluated: 2016-05-16. Review status: criteria provided, single submitter. Criteria: ACMG Guidelines, 2015. Collection method: clinical testing. Allele origin: germline. Affected: yes. Study: The Canadian Open Genetics Repository (COGR).

Breakthrough Genomics
Classification: Uncertain significance. Review status: criteria provided, single submitter. Criteria: ACMG Guidelines, 2015. Collection method: not provided. Allele origin: germline. Inheritance: Autosomal recessive inheritance. Affected: yes.

NM_138694.4(PKHD1):c.11578A>G (p.Ile3860Val)

Gene: PKHD1 (PKHD1 ciliary IPT domain containing fibrocystin/polyductin; minus strand). Cytogenetic location: 6p12.3.
Variant type: single nucleotide variant.
Coding change: c.11578A>G on transcript NM_138694.4 (MANE Select); coding-DNA position 11578, A replaced by G.
Protein change: p.Ile3860Val; replaces isoleucine 3860 with valine.
Molecular consequence: missense variant.
Genome position (GRCh38, 1-based): chr6:51,632,652, T>C on the plus strand (A>G on the coding strand, the complement: PKHD1 is on the minus strand). VCF-style: chr6-51632652-T-C. GRCh37 (hg19) VCF-style: chr6-51497450-T-C.
Other names: short protein forms I3860V.
Identifiers: ClinVar variation 434019 (VCV000434019.3), dbSNP rs755986501, ClinGen allele CA3850781.